The following is an entry in ClinVar:

NM_001042492.3(NF1):c.7152_7153insTT (p.Asn2385fs)

Gene: NF1 (neurofibromin 1; plus strand). Cytogenetic location: 17q11.2.
Variant type: Insertion.
Coding change: c.7152_7153insTT on transcript NM_001042492.3 (MANE Select); coding-DNA positions 7152 to 7153, TT inserted.
Protein change: p.Asn2385fs; shifts the reading frame from asparagine 2385.
Molecular consequence: frameshift variant.
Genome position: GRCh38 VCF-style: chr17-31343097-C-CTT. GRCh37 (hg19) VCF-style: chr17-29670115-C-CTT.
Other names: c.7089_7090insTT, p.Asn2364Leufs (NM_000267.4); short protein forms N2364fs, N2385fs.
Identifiers: ClinVar variation 665552 (VCV000665552.5), dbSNP rs1555535434, ClinGen allele CA915949806.

ClinVar aggregate classification (germline): Pathogenic (1 of 4 stars; one submission).

Conditions:
Neurofibromatosis, type 1 (NF1). Also called: VON RECKLINGHAUSEN DISEASE; NEUROFIBROMATOSIS, TYPE I, SOMATIC; Peripheral type neurofibromatosis; Neurofibromatosis, type I. Identifiers: Orphanet 636, MedGen C0027831, MONDO:0018975, OMIM 162200. Disease mechanism: loss of function.

Submission:

Labcorp Genetics (formerly Invitae), Labcorp
Classification: Pathogenic for Neurofibromatosis, type 1. Last evaluated: 2018-10-04. Review status: criteria provided, single submitter. Criteria: Invitae Variant Classification Sherloc (09022015). Collection method: clinical testing. Allele origin: germline.
Comment: This sequence change creates a premature translational stop signal (p.Asn2364Leufs*12) in the NF1 gene. It is expected to result in an absent or disrupted protein product. This variant is not present in population databases (ExAC no frequency). This variant has not been reported in the literature in individuals with NF1-related disease. Loss-of-function variants in NF1 are known to be pathogenic (PMID: 10712197, 23913538). For these reasons, this variant has been classified as Pathogenic.

Literature cited by the submitters: PubMed 10712197; PubMed 23913538.